The following is an entry in ClinVar:

NM_000179.3(MSH6):c.3802-40C>G

Genes: FBXO11 (F-box protein 11; minus strand), MSH6 (mutS homolog 6; plus strand). Cytogenetic location: 2p16.3.
Variant type: single nucleotide variant.
Coding change: c.3802-40C>G on transcript NM_000179.3 (MANE Select); 40 bases into the intron before coding-DNA position 3802, C replaced by G.
Molecular consequence: intron variant.
Genome position (GRCh38, 1-based): chr2:47,806,412, C>G. VCF-style: chr2-47806412-C-G. GRCh37 (hg19) VCF-style: chr2-48033551-C-G.
Other names: c.2896-40C>G (NM_001281493.2, NM_001281494.2); c.3412-40C>G (NM_001281492.2).
Identifiers: ClinVar variation 36594 (VCV000036594.21), dbSNP rs3136367, ClinGen allele CA014383.

ClinVar aggregate classification (germline): Benign. Review status: reviewed by expert panel (3 of 4 stars). 13 submissions from 12 submitters: Benign (1). 12 of the submissions do not count toward it. Last evaluated 2013-09-05.

Conditions:
Intellectual developmental disorder with dysmorphic facies and behavioral abnormalities. Identifiers: MedGen C4748135, MONDO:0060760, OMIM 618089.
Hereditary cancer-predisposing syndrome. Also called: Neoplastic Syndromes, Hereditary; Tumor predisposition; Hereditary Cancer Syndrome; Hereditary neoplastic syndrome. Identifiers: Orphanet 140162, MedGen C0027672, MeSH D009386, MONDO:0015356.
Lynch syndrome. Identifiers: Orphanet 144, MedGen C4552100, MONDO:0005835. Disease mechanism: loss of function.
Lynch syndrome 5 (LYNCH5). Also called: Colorectal cancer, hereditary nonpolyposis, type 5; Hereditary non-polyposis colorectal cancer, type 5. Identifiers: Orphanet 144, MedGen C1833477, MONDO:0013710, OMIM 614350. Disease mechanism: loss of function.

Allele frequency attached by ClinVar (database versions not stated): gnomAD exomes 0.73398; ExAC 0.74265; ESP Exome Variant Server 0.78722; TOPMed 0.78020; 1000 Genomes Project 30x 0.80840; 1000 Genomes Project 0.80911.
gnomAD v4.1: 1,196,036 of 1,613,664 alleles (74%); highest among the groups gnomAD compares: African/African-American, 92%; 445,806 homozygotes.

Submissions (13):

International Society for Gastrointestinal Hereditary Tumours (InSiGHT)
Classification: Benign for Lynch Syndrome. Last evaluated: 2013-09-05. Review status: reviewed by expert panel. Criteria: Guidelines v1.9. Collection method: research. Allele origin: germline.
Comment: MAF >1%

Classified with v1.9 guidelines
ClinVar note: Converted during submission from no known pathogenicity to Benign.

GeneKor MSA
Classification: Benign for Hereditary cancer-predisposing syndrome. Last evaluated: 2025-07-10. Review status: criteria provided, single submitter. Criteria: ACMG Guidelines, 2015. Collection method: clinical testing. Allele origin: germline. Not counted in ClinVar's aggregate classification.

KCCC/NGS Laboratory, Kuwait Cancer Control Center
Classification: Benign for Intellectual developmental disorder with dysmorphic facies and behavioral abnormalities. Last evaluated: 2025-02-01. Review status: criteria provided, single submitter. Criteria: ACMG Guidelines, 2015. Collection method: clinical testing. Allele origin: germline. Affected: no. Not counted in ClinVar's aggregate classification.

Unidad de Genómica Garrahan, Hospital de Pediatría Garrahan
Classification: Benign. Last evaluated: 2024-01-24. Review status: criteria provided, single submitter. Criteria: ACMG Guidelines, 2015. Collection method: clinical testing. Allele origin: germline. Affected: no. Observed: 84 variant alleles. Not counted in ClinVar's aggregate classification.
Comment: This variant is classified as Benign based on local population frequency. This variant was detected in 88% of patients studied by a panel of primary immunodeficiencies. Number of patients: 84. Only high quality variants are reported.

KCCC/NGS Laboratory, Kuwait Cancer Control Center
Classification: Benign for Lynch syndrome 5. Last evaluated: 2023-07-07. Review status: criteria provided, single submitter. Criteria: ACMG Guidelines, 2015. Collection method: clinical testing. Allele origin: germline. Affected: yes. Not counted in ClinVar's aggregate classification.

Clinical Genetics DNA and cytogenetics Diagnostics Lab, Erasmus MC, Erasmus Medical Center
Classification: Benign for Lynch syndrome 5. Last evaluated: 2015-09-21. Review status: criteria provided, single submitter. Criteria: ACGS Guidelines, 2013. Collection method: clinical testing. Allele origin: germline. Affected: yes. Study: VKGL Data-share Consensus. Not counted in ClinVar's aggregate classification.

GeneDx
Classification: Benign. Last evaluated: 2015-03-03. Review status: criteria provided, single submitter. Criteria: GeneDx Variant Classification Process June 2021. Collection method: clinical testing. Allele origin: germline. Affected: yes. Not counted in ClinVar's aggregate classification.

Women's Health and Genetics/Laboratory Corporation of America, LabCorp
Classification: Benign for Hereditary non-polyposis colon cancer. Last evaluated: 2011-08-18. Review status: criteria provided, single submitter. Criteria: LabCorp Variant Classification Summary - May 2015. Collection method: curation. Allele origin: germline. Inheritance: autosomal unknown. Affected: yes. Not counted in ClinVar's aggregate classification.
ClinVar note: Converted during submission from benign to Benign.

Breakthrough Genomics
Classification: Benign. Review status: criteria provided, single submitter. Criteria: ACMG Guidelines, 2015. Collection method: not provided. Allele origin: germline. Inheritance: Autosomal recessive inheritance. Affected: yes. Not counted in ClinVar's aggregate classification.

Clinical Genetics Laboratory, Department of Pathology, Netherlands Cancer Institute
Classification: Benign. Review status: no assertion criteria provided. Collection method: clinical testing. Allele origin: germline. Affected: yes. Study: VKGL Data-share Consensus. Not counted in ClinVar's aggregate classification.

Department of Pathology and Laboratory Medicine, Sinai Health System
Classification: Uncertain significance. Review status: no assertion criteria provided. Collection method: clinical testing. Allele origin: unknown. Affected: yes. Study: The Canadian Open Genetics Repository (COGR). Not counted in ClinVar's aggregate classification.

Joint Genome Diagnostic Labs from Nijmegen and Maastricht, Radboudumc and MUMC+
Classification: Benign. Review status: no assertion criteria provided. Collection method: clinical testing. Allele origin: germline. Affected: yes. Study: VKGL Data-share Consensus. Not counted in ClinVar's aggregate classification.

Mayo Clinic Laboratories, Mayo Clinic
Classification: Benign. Review status: no assertion criteria provided. Collection method: research. Allele origin: unknown. Observed: 211 variant alleles, 123 homozygotes. Not counted in ClinVar's aggregate classification.

Literature cited by the submitters: PubMed 11807791 (cited by Women's Health and Genetics/Laboratory Corporation of America, LabCorp); PubMed 14520694 (cited by Women's Health and Genetics/Laboratory Corporation of America, LabCorp); PubMed 10699937 (cited by Women's Health and Genetics/Laboratory Corporation of America, LabCorp).